The following is an entry in ClinVar:

NM_000488.4(SERPINC1):c.769T>C (p.Trp257Arg)

Gene: SERPINC1 (serpin family C member 1; minus strand). Cytogenetic location: 1q25.1.
Variant type: single nucleotide variant.
Coding change: c.769T>C on transcript NM_000488.4 (MANE Select); coding-DNA position 769, T replaced by C.
Protein change: p.Trp257Arg; replaces tryptophan 257 with arginine.
Molecular consequence: missense variant. On other transcripts: intron variant (1).
Genome position (GRCh38, 1-based): chr1:173,909,936, A>G on the plus strand (T>C on the coding strand, the complement: SERPINC1 is on the minus strand). VCF-style: chr1-173909936-A-G. GRCh37 (hg19) VCF-style: chr1-173879074-A-G.
Other names: c.625T>C, p.Trp209Arg (NM_001365052.2); c.892T>C, p.Trp298Arg (NM_001386302.1); c.850T>C, p.Trp284Arg (NM_001386303.1); c.748T>C, p.Trp250Arg (NM_001386304.1); c.553T>C, p.Trp185Arg (NM_001386306.1); c.763-51T>C (NM_001386305.1); short protein forms W185R, W209R, W250R, W257R, W284R, W298R.
Identifiers: ClinVar variation 3049200 (VCV003049200.2), dbSNP rs2526572412, ClinGen allele CA343774817.

ClinVar aggregate classification (germline): Likely pathogenic (0 of 4 stars; one submission).

Conditions:
SERPINC1-related disorder. Also called: SERPINC1-related condition.

Submission:

PreventionGenetics, part of Exact Sciences
Classification: Likely pathogenic for SERPINC1-related condition. Last evaluated: 2024-05-28. Review status: no assertion criteria provided. Collection method: clinical testing. Allele origin: germline.
Comment: The SERPINC1 c.769T>C variant is predicted to result in the amino acid substitution p.Trp257Arg. This variant has been reported in the heterozygous state in individuals with antithrombin deficiency (Kumar et al. 2014. PubMed ID: 24684277; Tamura et al. 2019. PubMed ID: 31030036, reported as Trp225Arg using the legacy nomenclature in Lane et al. 1997. PubMed ID: 9031473). An alternate nucleotide change affecting the same amino acid (p.Trp257Cys) has also been reported a family with antithrombin deficiency (reported as p.Trp225Cys using the legacy nomenclature in Xia et al. 2012. PubMed ID: 2242603). This variant has not been reported in a large population database, indicating this variant is rare. This variant is interpreted as likely pathogenic.